The following is an entry in ClinVar:

NM_001127208.3(TET2):c.97A>G (p.Lys33Glu)

Genes: TET2 (tet methylcytosine dioxygenase 2; plus strand), TET2-AS1 (TET2 antisense RNA 1; minus strand). Cytogenetic location: 4q24.
Variant type: single nucleotide variant.
Coding change: c.97A>G on transcript NM_001127208.3 (MANE Select); coding-DNA position 97, A replaced by G.
Protein change: p.Lys33Glu; replaces lysine 33 with glutamic acid.
Molecular consequence: missense variant.
Genome position (GRCh38, 1-based): chr4:105,234,039, A>G. VCF-style: chr4-105234039-A-G. GRCh37 (hg19) VCF-style: chr4-106155196-A-G.
Other names: c.97A>G, p.Lys33Glu (NM_017628.4); short protein forms K33E.
Identifiers: ClinVar variation 3967521 (VCV003967521.1).

ClinVar aggregate classification (germline): Uncertain significance (1 of 4 stars; one submission).

gnomAD v4.1: 1 of 1,614,084 alleles (0.000062%); highest among the groups gnomAD compares: Non-Finnish European, 0.000085%; no homozygotes.

Submission:

Ambry Genetics
Classification: Uncertain significance. Last evaluated: 2025-04-03. Review status: criteria provided, single submitter. Criteria: Ambry Variant Classification Scheme 2023. Collection method: clinical testing. Allele origin: germline.
Comment: The p.K33E variant (also known as c.97A>G), located in coding exon 1 of the TET2 gene, results from an A to G substitution at nucleotide position 97. The lysine at codon 33 is replaced by glutamic acid, an amino acid with similar properties. This amino acid position is conserved. In addition, the in silico prediction for this alteration is inconclusive. Based on the available evidence, the clinical significance of this variant remains unclear.